The following is an entry in ClinVar:

NM_006231.4(POLE):c.207C>T (p.Thr69=)

Gene: POLE (DNA polymerase epsilon, catalytic subunit; minus strand). Cytogenetic location: 12q24.33.
Variant type: single nucleotide variant.
Coding change: c.207C>T on transcript NM_006231.4 (MANE Select); coding-DNA position 207, C replaced by T.
Protein change: p.Thr69=; no amino-acid change (threonine 69 retained).
Molecular consequence: synonymous variant.
Genome position (GRCh38, 1-based): chr12:132,680,685, G>A on the plus strand (C>T on the coding strand, the complement: POLE is on the minus strand). VCF-style: chr12-132680685-G-A. GRCh37 (hg19) VCF-style: chr12-133257271-G-A.
Identifiers: ClinVar variation 240418 (VCV000240418.23), dbSNP rs146986360, ClinGen allele CA6894406.

ClinVar aggregate classification (germline): Benign/Likely benign. Review status: criteria provided, multiple submitters, no conflicts (2 of 4 stars). 7 submissions from 7 submitters: Benign (1); Likely benign (6). Last evaluated 2026-01-21.

Conditions:
Intrauterine growth retardation, metaphyseal dysplasia, adrenal hypoplasia congenita, genital anomalies, and immunodeficiency. Also called: IMAGEI SYNDROME. Identifiers: MedGen C5193036, MONDO:0032684, OMIM 618336.
Facial dysmorphism-immunodeficiency-livedo-short stature syndrome. Also called: Facial dysmorphism, immunodeficiency, livedo, and short stature; FILS syndrome. Identifiers: Orphanet 352712, MedGen C3554576, MONDO:0014058, OMIM 615139.
Colorectal cancer, susceptibility to, 12 (CRCS12). Also called: COLORECTAL CANCER, SUSCEPTIBILITY TO, ON CHROMOSOME 12q24. Identifiers: Orphanet 220460, MedGen C3554460, MONDO:0014038, OMIM 615083.
POLE-related disorder. Also called: POLE-related disorders; POLE-related condition.
Hereditary cancer-predisposing syndrome. Also called: Neoplastic Syndromes, Hereditary; Hereditary neoplastic syndrome; Hereditary Cancer Syndrome; Tumor predisposition. Identifiers: Orphanet 140162, MedGen C0027672, MeSH D009386, MONDO:0015356.

Allele frequency attached by ClinVar (database versions not stated): TOPMed 0.00002.
gnomAD v4.1: 35 of 1,611,494 alleles (0.0022%); highest among the groups gnomAD compares: East Asian, 0.0089%; no homozygotes.

Submissions (7):

Labcorp Genetics (formerly Invitae), Labcorp
Classification: Likely benign. Last evaluated: 2026-01-21. Review status: criteria provided, single submitter. Criteria: Invitae Variant Classification Sherloc (09022015). Collection method: clinical testing. Allele origin: germline.

Blueprint Genetics
Classification: Likely benign. Last evaluated: 2024-11-21. Review status: criteria provided, single submitter. Criteria: ACMG Guidelines, 2015. Collection method: clinical testing. Allele origin: germline.

PreventionGenetics, part of Exact Sciences
Classification: Likely benign for POLE-related condition. Last evaluated: 2024-10-07. Review status: criteria provided, single submitter. Criteria: ACMG Guidelines, 2015. Collection method: clinical testing. Allele origin: germline.
Comment: This variant is classified as likely benign based on ACMG/AMP sequence variant interpretation guidelines (Richards et al. 2015 PMID: 25741868, with internal and published modifications).

Department of Pathology and Laboratory Medicine, Sinai Health System
Classification: Likely benign for Colorectal cancer, susceptibility to, 12; Facial dysmorphism-immunodeficiency-livedo-short stature syndrome; Intrauterine growth retardation, metaphyseal dysplasia, adrenal hypoplasia congenita, genital anomalies, and immunodeficiency. Last evaluated: 2022-09-21. Review status: criteria provided, single submitter. Criteria: ACMG Guidelines, 2015. Collection method: clinical testing. Allele origin: germline. Affected: yes.

GeneDx
Classification: Likely benign. Last evaluated: 2019-09-10. Review status: criteria provided, single submitter. Criteria: GeneDx Variant Classification Process June 2021. Collection method: clinical testing. Allele origin: germline. Affected: yes.

Quest Diagnostics Nichols Institute San Juan Capistrano
Classification: Benign. Last evaluated: 2019-03-26. Review status: criteria provided, single submitter. Criteria: Quest Diagnostics criteria. Collection method: clinical testing. Allele origin: germline.

Ambry Genetics
Classification: Likely benign for Hereditary cancer-predisposing syndrome. Last evaluated: 2015-12-24. Review status: criteria provided, single submitter. Criteria: Ambry Variant Classification Scheme 2023. Collection method: clinical testing. Allele origin: germline.